The following is an entry in ClinVar:

ClinVar aggregate classification (germline): Uncertain significance. Review status: criteria provided, multiple submitters, no conflicts (2 of 4 stars). 5 submissions from 5 submitters: Uncertain significance (5). Last evaluated 2026-09-18.

Conditions:
Klippel-Feil anomaly-myopathy-facial dysmorphism syndrome. Also called: Klippel-feil syndrome 4, autosomal recessive, with nemaline myopathy and facial dysmorphism; Klippel-Feil syndrome 4, autosomal recessive, with myopathy and facial dysmorphism. Identifiers: Orphanet 447974, MedGen C4225285, MONDO:0014689, OMIM 616549.
MYO18B-related disorder. Also called: MYO18B-related condition.
Inborn genetic diseases. Identifiers: MedGen C0950123, MeSH D030342.

Allele frequency attached by ClinVar (database versions not stated): ESP Exome Variant Server 0.00008; gnomAD exomes 0.00010 and 0.00014; ExAC 0.00016; gnomAD 0.00025 and 0.00027; TOPMed 0.00035.
gnomAD v4.1: 201 of 1,613,918 alleles (0.012%); highest among the groups gnomAD compares: African/African-American, 0.092%; 2 homozygotes.

Submissions (5):

PreventionGenetics, part of Exact Sciences
Classification: Uncertain significance for MYO18B-related condition. Last evaluated: 2026-09-18. Review status: criteria provided, single submitter. Criteria: ACMG Guidelines, 2015. Collection method: clinical testing. Allele origin: germline.
Comment: The MYO18B c.4766G>A variant is predicted to result in the amino acid substitution p.Cys1589Tyr. To our knowledge, this variant has not been reported in the literature. This variant is reported in 0.070% of alleles in individuals of African descent in gnomAD. Although we suspect that this variant may be benign, at this time, the clinical significance of this variant is uncertain due to the absence of conclusive functional and genetic evidence.

Labcorp Genetics (formerly Invitae), Labcorp
Classification: Uncertain significance. Last evaluated: 2025-11-05. Review status: criteria provided, single submitter. Criteria: Invitae Variant Classification Sherloc (09022015). Collection method: clinical testing. Allele origin: germline.
Comment: This sequence change replaces cysteine, which is neutral and slightly polar, with tyrosine, which is neutral and polar, at codon 1589 of the MYO18B protein (p.Cys1589Tyr). This variant is present in population databases (rs375717740, gnomAD 0.07%), including at least one homozygous and/or hemizygous individual. This variant has not been reported in the literature in individuals affected with MYO18B-related conditions. ClinVar contains an entry for this variant (Variation ID: 1163670). An algorithm developed to predict the effect of missense changes on protein structure and function (PolyPhen-2) suggests that this variant is likely to be tolerated. In summary, the available evidence is currently insufficient to determine the role of this variant in disease. Therefore, it has been classified as a Variant of Uncertain Significance.

Ambry Genetics
Classification: Uncertain significance for Inborn genetic diseases. Last evaluated: 2024-12-02. Review status: criteria provided, single submitter. Criteria: Ambry Variant Classification Scheme 2023. Collection method: clinical testing. Allele origin: germline.

Revvity Omics, Revvity
Classification: Uncertain significance for Klippel-Feil anomaly-myopathy-facial dysmorphism syndrome. Last evaluated: 2021-11-11. Review status: criteria provided, single submitter. Criteria: ACMG Guidelines, 2015. Collection method: clinical testing. Allele origin: germline.

Mayo Clinic Laboratories, Mayo Clinic
Classification: Uncertain significance. Last evaluated: 2019-04-15. Review status: criteria provided, single submitter. Criteria: ACMG Guidelines, 2015. Collection method: clinical testing. Allele origin: germline. Observed: 1 variant allele.

NM_032608.7(MYO18B):c.4766G>A (p.Cys1589Tyr)

Genes: MYO18B (myosin XVIIIB; plus strand), MYO18B-AS1 (MYO18B antisense RNA 1; minus strand). Cytogenetic location: 22q12.1.
Variant type: single nucleotide variant.
Coding change: c.4766G>A on transcript NM_032608.7 (MANE Select); coding-DNA position 4766, G replaced by A.
Protein change: p.Cys1589Tyr; replaces cysteine 1589 with tyrosine.
Molecular consequence: missense variant.
Genome position (GRCh38, 1-based): chr22:25,898,404, G>A. VCF-style: chr22-25898404-G-A. GRCh37 (hg19) VCF-style: chr22-26294371-G-A.
Other names: c.4769G>A, p.Cys1590Tyr (NM_001318245.2); c.4766G>A (NM_032608.5); short protein forms C1589Y, C1590Y.
Identifiers: ClinVar variation 1163670 (VCV001163670.15), dbSNP rs375717740, ClinGen allele CA10160975.